The following is an entry in ClinVar:

ClinVar aggregate classification (germline): Uncertain significance. Review status: criteria provided, multiple submitters, no conflicts (2 of 4 stars). 2 submissions from 2 submitters: Uncertain significance (2). Last evaluated 2025-08-11.

Conditions:
Hereditary pulmonary alveolar proteinosis. Also called: Pulmonary surfactant metabolism dysfunction. Identifiers: Orphanet 264675, MedGen C3711368, MONDO:0012580.

Allele frequency attached by ClinVar (database versions not stated): gnomAD exomes below 0.00001.
gnomAD v4.1: 1 of 1,613,886 alleles (0.000062%); highest among the groups gnomAD compares: Non-Finnish European, 0.000085%; no homozygotes.

Submissions (2):

Ambry Genetics
Classification: Uncertain significance for Hereditary pulmonary alveolar proteinosis. Last evaluated: 2025-08-11. Review status: criteria provided, single submitter. Criteria: Ambry Variant Classification Scheme 2023. Collection method: clinical testing. Allele origin: germline.

GeneDx
Classification: Uncertain significance. Last evaluated: 2025-02-21. Review status: criteria provided, single submitter. Criteria: GeneDx Variant Classification Process June 2021. Collection method: clinical testing. Allele origin: germline. Affected: yes.
Comment: Not observed at significant frequency in large population cohorts (gnomAD); In silico analysis supports that this missense variant has a deleterious effect on protein structure/function; Has not been previously published as pathogenic or benign to our knowledge

NM_001089.3(ABCA3):c.4244T>C (p.Leu1415Pro)

Gene: ABCA3 (ATP binding cassette subfamily A member 3; minus strand). Cytogenetic location: 16p13.3.
Variant type: single nucleotide variant.
Coding change: c.4244T>C on transcript NM_001089.3 (MANE Select); coding-DNA position 4244, T replaced by C.
Protein change: p.Leu1415Pro; replaces leucine 1415 with proline.
Molecular consequence: missense variant.
Genome position (GRCh38, 1-based): chr16:2,281,142, A>G on the plus strand (T>C on the coding strand, the complement: ABCA3 is on the minus strand). VCF-style: chr16-2281142-A-G. GRCh37 (hg19) VCF-style: chr16-2331143-A-G.
Other names: short protein forms L1415P.
Identifiers: ClinVar variation 1739025 (VCV001739025.4), dbSNP rs2505616007, ClinGen allele CA394309300.